The following is an entry in ClinVar:

ClinVar aggregate classification (germline): Likely pathogenic (1 of 4 stars; one submission).

Conditions:
Hypertrophic cardiomyopathy 4. Also called: Familial hypertrophic cardiomyopathy 4. Identifiers: MedGen C1861862, MONDO:0007268, OMIM 115197.

Submission:

Juno Genomics, Hangzhou Juno Genomics, Inc
Classification: Likely pathogenic for Hypertrophic cardiomyopathy 4. Review status: criteria provided, single submitter. Criteria: ACMG Guidelines, 2015. Collection method: clinical testing. Allele origin: germline. Affected: yes.
Comment: Absent from controls (or at extremely low frequency if recessive) in Genome Aggregation Database, Exome Sequencing Project, 1000 Genomes Project, or Exome Aggregation Consortium.;Null variant in a gene where loss of function (LOF) is a known mechanism of disease.

NM_000256.3(MYBPC3):c.3447_3453del (p.Asp1149fs)

Gene: MYBPC3 (myosin binding protein C3; minus strand). Cytogenetic location: 11p11.2.
Variant type: Deletion.
Coding change: c.3447_3453del on transcript NM_000256.3 (MANE Select); coding-DNA positions 3447 to 3453, 7 bases deleted (CAGAGCG; older notation c.3447_3453delCAGAGCG).
Protein change: p.Asp1149fs; shifts the reading frame from aspartic acid 1149.
Molecular consequence: frameshift variant.
Genome position (GRCh38, 1-based): chr11:47,332,851-47,332,857, CGCTCTG deleted on the plus strand (CAGAGCG on the coding strand, the reverse complement: MYBPC3 is on the minus strand). VCF-style (leftmost placement, unchanged base first): chr11-47332850-CCGCTCTG-C. GRCh37 (hg19) VCF-style: chr11-47354401-CCGCTCTG-C.
Other names: short protein forms D1149fs.
Identifiers: ClinVar variation 3382647 (VCV003382647.2).
Genomic context (GRCh38, chr11:47,332,850, plus strand): 5'-GTTGGAAGAATGAGGGTACAGCACCTGGTCTGGGGATAAAGACGGGCTCCTTGGTGGTGG[CCGCTCTG>C]TCACTAAAGCCAACCATATTCTGGCTGAAGACGCGGAAGTAGTAGCCATTGCCAATGATG-3'